The following is an entry in ClinVar:

NM_206933.4(USH2A):c.9763C>T (p.Gln3255Ter)

Gene: USH2A (usherin; minus strand). Cytogenetic location: 1q41.
Variant type: single nucleotide variant.
Coding change: c.9763C>T on transcript NM_206933.4 (MANE Select); coding-DNA position 9763, C replaced by T.
Protein change: p.Gln3255Ter; replaces glutamine 3255 with a stop codon.
Molecular consequence: nonsense.
Genome position (GRCh38, 1-based): chr1:215,799,102, G>A on the plus strand (C>T on the coding strand, the complement: USH2A is on the minus strand). VCF-style: chr1-215799102-G-A. GRCh37 (hg19) VCF-style: chr1-215972444-G-A.
Other names: short protein forms Q3255*.
Identifiers: ClinVar variation 982688 (VCV000982688.7), dbSNP rs1662226257, ClinGen allele CA344850064.

ClinVar aggregate classification (germline): Pathogenic/Likely pathogenic. Review status: criteria provided, multiple submitters, no conflicts (2 of 4 stars). 4 submissions from 4 submitters: Pathogenic (2); Likely pathogenic (2). Last evaluated 2024-05-08.

Conditions:
USH2A-related disorder. Also called: USH2A-related disorders; USH2A-related condition. Identifiers: MedGen CN239332.
Retinitis pigmentosa 39 (RP39). Identifiers: Orphanet 791, MedGen C3151138, MONDO:0013436, OMIM 613809.

Submissions (4):

Myriad Genetics, Inc.
Classification: Pathogenic for USH2A-related disorder. Last evaluated: 2024-05-08. Review status: criteria provided, single submitter. Criteria: Myriad Autosomal Dominant, Autosomal Recessive and X-Linked Classification Criteria (2023). Collection method: clinical testing. Allele origin: unknown.
Comment: NM_206933.2(USH2A):c.9763C>T(Q3255*) is expected to be pathogenic in the context of USH2A-related disorders. This variant is predicted to lead to an abnormal or absent protein product due to the creation of a premature termination codon in USH2A, a gene where loss-of-function variants are known to be pathogenic. Please note: this variant was assessed in the context of healthy population screening.

Genome-Nilou Lab
Classification: Likely pathogenic for Retinitis pigmentosa 39. Last evaluated: 2023-11-04. Review status: criteria provided, single submitter. Criteria: ACMG Guidelines, 2015. Collection method: clinical testing. Allele origin: germline. Affected: no.

Labcorp Genetics (formerly Invitae), Labcorp
Classification: Pathogenic. Last evaluated: 2022-04-24. Review status: criteria provided, single submitter. Criteria: Invitae Variant Classification Sherloc (09022015). Collection method: clinical testing. Allele origin: germline.
Comment: This variant has not been reported in the literature in individuals affected with USH2A-related conditions. For these reasons, this variant has been classified as Pathogenic. ClinVar contains an entry for this variant (Variation ID: 982688). This variant is not present in population databases (gnomAD no frequency). This sequence change creates a premature translational stop signal (p.Gln3255*) in the USH2A gene. It is expected to result in an absent or disrupted protein product. Loss-of-function variants in USH2A are known to be pathogenic (PMID: 10729113, 10909849, 20507924, 25649381).

Institute of Human Genetics, University of Leipzig Medical Center
Classification: Likely pathogenic for Retinitis pigmentosa 39. Last evaluated: 2019-01-01. Review status: criteria provided, single submitter. Criteria: ACMG Guidelines, 2015. Collection method: clinical testing. Allele origin: unknown. Affected: yes.
Comment: This variant was identified as compound heterozygous.

Literature cited by the submitters: PubMed 10729113 (cited by Labcorp Genetics (formerly Invitae), Labcorp); PubMed 10909849 (cited by Labcorp Genetics (formerly Invitae), Labcorp); PubMed 20507924 (cited by Labcorp Genetics (formerly Invitae), Labcorp); PubMed 25649381 (cited by Labcorp Genetics (formerly Invitae), Labcorp).